The following is an entry in ClinVar:

ClinVar aggregate classification (germline): Conflicting classifications of pathogenicity. Review status: criteria provided, conflicting classifications (1 of 4 stars). 6 submissions from 6 submitters: Uncertain significance (1); Likely benign (5). Last evaluated 2025-12-23.

Conditions:
Inborn genetic diseases. Identifiers: MedGen C0950123, MeSH D030342.

Allele frequency attached by ClinVar (database versions not stated): gnomAD exomes 0.00028 and 0.00041; ExAC 0.00030; 1000 Genomes Project 0.00040; 1000 Genomes Project 30x 0.00047; gnomAD 0.00057 and 0.00064; ESP Exome Variant Server 0.00069; TOPMed 0.00092.
gnomAD v4.1: 690 of 1,614,176 alleles (0.043%); highest among the groups gnomAD compares: African/African-American, 0.19%; no homozygotes.

Submissions (6):

Labcorp Genetics (formerly Invitae), Labcorp
Classification: Likely benign. Last evaluated: 2025-12-23. Review status: criteria provided, single submitter. Criteria: Invitae Variant Classification Sherloc (09022015). Collection method: clinical testing. Allele origin: germline.

CeGaT Center for Human Genetics Tuebingen
Classification: Likely benign. Last evaluated: 2025-10-01. Review status: criteria provided, single submitter. Criteria: CeGaT Center For Human Genetics Tuebingen Variant Classification Criteria Version 2. Collection method: clinical testing. Allele origin: germline. Affected: yes. Observed: 1 variant allele.
Comment: SRCAP: BS1

Women's Health and Genetics/Laboratory Corporation of America, LabCorp
Classification: Likely benign. Last evaluated: 2025-09-02. Review status: criteria provided, single submitter. Criteria: LabCorp Variant Classification Summary - May 2015. Collection method: clinical testing. Allele origin: germline.
Comment: Variant summary: SRCAP c.2573G>A (p.Arg858His) results in a non-conservative amino acid change in the encoded protein sequence. Algorithms developed to predict the effect of missense changes on protein structure and function are either unavailable or do not agree on the potential impact of this missense change. The variant allele was found at a frequency of 0.00028 in 251482 control chromosomes, predominantly at a frequency of 0.0022 within the African or African-American subpopulation in the gnomAD database. The observed variant frequency within African or African-American control individuals in the gnomAD database exceeds the estimated maximal expected allele frequency for disease-causing variants in SRCAP. To our knowledge, no occurrence of c.2573G>A in individuals affected with SRCAP-related conditions and no experimental evidence demonstrating its impact on protein function have been reported. ClinVar contains an entry for this variant (Variation ID: 499747). Based on the evidence outlined above, the variant was classified as likely benign.

Ambry Genetics
Classification: Likely benign for Inborn genetic diseases. Last evaluated: 2025-04-11. Review status: criteria provided, single submitter. Criteria: Ambry Variant Classification Scheme 2023. Collection method: clinical testing. Allele origin: germline.

Blueprint Genetics
Classification: Likely benign. Last evaluated: 2024-11-27. Review status: criteria provided, single submitter. Criteria: ACMG Guidelines, 2015. Collection method: clinical testing. Allele origin: germline.

Eurofins Ntd Llc (ga)
Classification: Uncertain significance. Last evaluated: 2017-01-23. Review status: criteria provided, single submitter. Criteria: EGL Classification Definitions 2015. Collection method: clinical testing. Allele origin: germline. Observed: 1 variant allele, 1 heterozygote.

NM_006662.3(SRCAP):c.2573G>A (p.Arg858His)

Gene: SRCAP (Snf2 related CREBBP activator protein; plus strand). Cytogenetic location: 16p11.2.
Variant type: single nucleotide variant.
Coding change: c.2573G>A on transcript NM_006662.3 (MANE Select); coding-DNA position 2573, G replaced by A.
Protein change: p.Arg858His; replaces arginine 858 with histidine.
Molecular consequence: missense variant.
Genome position (GRCh38, 1-based): chr16:30,716,145, G>A. VCF-style: chr16-30716145-G-A. GRCh37 (hg19) VCF-style: chr16-30727466-G-A.
Other names: short protein forms R858H.
Identifiers: ClinVar variation 499747 (VCV000499747.24), dbSNP rs35892240, ClinGen allele CA8011243.